The following is an entry in ClinVar:

ClinVar aggregate classification (germline): Likely benign (1 of 4 stars; one submission).

Allele frequency attached by ClinVar (database versions not stated): gnomAD 0.00001; TOPMed 0.00001 and 0.00002.
gnomAD v4.1: 3 of 1,613,780 alleles (0.00019%); highest among the groups gnomAD compares: Non-Finnish European, 0.00025%; no homozygotes.

Submission:

GeneDx
Classification: Likely benign. Last evaluated: 2015-08-10. Review status: criteria provided, single submitter. Criteria: GeneDx Variant Classification (06012015). Collection method: clinical testing. Allele origin: germline. Affected: yes.
Comment: This variant is considered likely benign or benign based on one or more of the following criteria: it is a conservative change, it occurs at a poorly conserved position in the protein, it is predicted to be benign by multiple in silico algorithms, and/or has population frequency not consistent with disease.

NM_001083962.2(TCF4):c.726G>T (p.Leu242Phe)

Gene: TCF4 (transcription factor 4; minus strand). Cytogenetic location: 18q21.2.
Variant type: single nucleotide variant.
Coding change: c.726G>T on transcript NM_001083962.2 (MANE Select); coding-DNA position 726, G replaced by T.
Protein change: p.Leu242Phe; replaces leucine 242 with phenylalanine.
Molecular consequence: missense variant.
Genome position (GRCh38, 1-based): chr18:55,275,682, C>A on the plus strand (G>T on the coding strand, the complement: TCF4 is on the minus strand). VCF-style: chr18-55275682-C-A. GRCh37 (hg19) VCF-style: chr18-52942913-C-A.
Other names: c.1032G>T, p.Leu344Phe (NM_001243226.3); c.654G>T, p.Leu218Phe (NM_001243227.2, NM_001306207.1, NM_001348217.1 and 9 more transcripts); c.744G>T, p.Leu248Phe (NM_001243228.2); c.720G>T, p.Leu240Phe (NM_001243230.2); c.600G>T, p.Leu200Phe (NM_001243231.2, NM_001348211.2); c.513G>T, p.Leu171Phe (NM_001243232.1, NM_001306208.1); c.336G>T, p.Leu112Phe (NM_001243233.2, NM_001330605.3, NM_001348212.2 and 1 more transcripts); c.246G>T, p.Leu82Phe (NM_001243234.2, NM_001243235.2, NM_001243236.2 and 2 more transcripts); and 4 more; short protein forms L242F, L171F, L217F, L218F, L248F, L82F, L200F, L240F.
Identifiers: ClinVar variation 380236 (VCV000380236.1), dbSNP rs765833827, ClinGen allele CA16608776.